The following is an entry in ClinVar:

NM_138694.4(PKHD1):c.494A>C (p.Glu165Ala)

Gene: PKHD1 (PKHD1 ciliary IPT domain containing fibrocystin/polyductin; minus strand). Cytogenetic location: 6p12.2.
Variant type: single nucleotide variant.
Coding change: c.494A>C on transcript NM_138694.4 (MANE Select); coding-DNA position 494, A replaced by C.
Protein change: p.Glu165Ala; replaces glutamic acid 165 with alanine.
Molecular consequence: missense variant.
Genome position (GRCh38, 1-based): chr6:52,073,496, T>G on the plus strand (A>C on the coding strand, the complement: PKHD1 is on the minus strand). VCF-style: chr6-52073496-T-G. GRCh37 (hg19) VCF-style: chr6-51938294-T-G.
Other names: c.494A>C, p.Glu165Ala (NM_170724.3); short protein forms E165A.
Identifiers: ClinVar variation 1006479 (VCV001006479.11), dbSNP rs1302500833, ClinGen allele CA364436138.

ClinVar aggregate classification (germline): Uncertain significance. Review status: criteria provided, single submitter (1 of 4 stars). 2 submissions from 2 submitters: Uncertain significance (1). 1 of the submissions does not count toward it. Last evaluated 2021-08-31.

Conditions:
Autosomal recessive polycystic kidney disease (ARPKD). Also called: AR polycystic kidney disease. Identifiers: Orphanet 731, Orphanet 8378, MedGen C0085548, MeSH D017044, MONDO:0009889.

Allele frequency attached by ClinVar (database versions not stated): gnomAD exomes below 0.00001 and 0.00001; gnomAD 0.00001.
gnomAD v4.1: 12 of 1,609,534 alleles (0.00075%); highest among the groups gnomAD compares: Admixed American, 0.0017%; no homozygotes.

Submissions (2):

Labcorp Genetics (formerly Invitae), Labcorp
Classification: Uncertain significance for Autosomal recessive polycystic kidney disease. Last evaluated: 2021-08-31. Review status: criteria provided, single submitter. Criteria: Invitae Variant Classification Sherloc (09022015). Collection method: clinical testing. Allele origin: germline.
Comment: This sequence change replaces glutamic acid with alanine at codon 165 of the PKHD1 protein (p.Glu165Ala). The glutamic acid residue is moderately conserved and there is a moderate physicochemical difference between glutamic acid and alanine. This variant is not present in population databases (ExAC no frequency). This variant has not been reported in the literature in individuals affected with PKHD1-related conditions. Advanced modeling of protein sequence and biophysical properties (such as structural, functional, and spatial information, amino acid conservation, physicochemical variation, residue mobility, and thermodynamic stability) performed at Invitae indicates that this missense variant is expected to disrupt PKHD1 protein function. In summary, the available evidence is currently insufficient to determine the role of this variant in disease. Therefore, it has been classified as a Variant of Uncertain Significance.

Natera, Inc.
Classification: Uncertain significance for Autosomal recessive polycystic kidney disease. Last evaluated: 2019-06-05. Review status: no assertion criteria provided. Collection method: clinical testing. Allele origin: germline. Not counted in ClinVar's aggregate classification.